The following is an entry in ClinVar:

NM_015910.7(WDPCP):c.1748+18324T>C

Gene: WDPCP (WD repeat containing planar cell polarity effector; minus strand). Cytogenetic location: 2p15.
Variant type: single nucleotide variant.
Coding change: c.1748+18324T>C on transcript NM_015910.7 (MANE Select); 18324 bases into the intron after coding-DNA position 1748, T replaced by C.
Molecular consequence: intron variant. On other transcripts: missense variant (1).
Genome position (GRCh38, 1-based): chr2:63,360,062, A>G on the plus strand (T>C on the coding strand, the complement: WDPCP is on the minus strand). VCF-style: chr2-63360062-A-G. GRCh37 (hg19) VCF-style: chr2-63587197-A-G.
Other names: c.1763T>C, p.Leu588Ser (NM_001354045.2); c.1676+18324T>C (NM_001354044.2); c.1271+18324T>C (NM_001042692.3); short protein forms L588S.
Identifiers: ClinVar variation 3352439 (VCV003352439.1).

ClinVar aggregate classification (germline): Uncertain significance (0 of 4 stars; one submission).

Conditions:
WDPCP-related disorder. Also called: WDPCP-related condition.

Submission:

PreventionGenetics, part of Exact Sciences
Classification: Uncertain significance for WDPCP-related condition. Last evaluated: 2024-03-26. Review status: no assertion criteria provided. Collection method: clinical testing. Allele origin: germline.
Comment: The WDPCP c.1763T>C variant is predicted to result in the amino acid substitution p.Leu588Ser. To our knowledge, this variant has not been reported in the literature or in a large population database, indicating this variant is rare. At this time, the clinical significance of this variant is uncertain due to the absence of conclusive functional and genetic evidence.